The following is an entry in ClinVar:

NM_015061.6(KDM4C):c.1112G>A (p.Arg371Gln)

Gene: KDM4C (lysine demethylase 4C; plus strand). Cytogenetic location: 9p24.1.
Variant type: single nucleotide variant.
Coding change: c.1112G>A on transcript NM_015061.6 (MANE Select); coding-DNA position 1112, G replaced by A.
Protein change: p.Arg371Gln; replaces arginine 371 with glutamine.
Molecular consequence: missense variant. On other transcripts: 5 prime UTR variant (3), non-coding transcript variant (5).
Genome position (GRCh38, 1-based): chr9:6,981,115, G>A. VCF-style: chr9-6981115-G-A. GRCh37 (hg19) VCF-style: chr9-6981115-G-A.
Other names: c.1112G>A, p.Arg371Gln (NM_001146695.4, NM_001304339.4, NM_001353997.3 and 1 more transcripts); c.1178G>A, p.Arg393Gln (NM_001146696.2); c.569G>A, p.Arg190Gln (NM_001304340.4); c.-1124G>A (NM_001353999.3, NM_001354001.3); c.-337G>A (NM_001354000.3); c.1112G>A (NM_001353997.1); short protein forms R190Q, R371Q, R393Q.
Identifiers: ClinVar variation 1803799 (VCV001803799.3), dbSNP rs35049841, ClinGen allele CA4981827.
Genomic context (GRCh38, chr9:6,981,115, plus strand): 5'-CATCCACCCCTGAAGTAAAAGCATGGCTGCAGAGGAGGAGGAAAGTAAGAAAAGCATCCC[G>A]AAGGTAATGACCCCTCACCCCACTGACCTGCCTTGCCTGTCGTGTTTTCTCAGTTAAAAT-3'
Protein context (NP_055876.2, residues 361-381): QRRRKVRKAS[Arg371Gln]SFQCARSTSK

ClinVar aggregate classification (germline): Uncertain significance. Review status: criteria provided, single submitter (1 of 4 stars). 2 submissions from 2 submitters: Uncertain significance (1). 1 of the submissions does not count toward it.

Conditions:
KDM4C-related disorder. Also called: KDM4C-related condition.
Maffucci syndrome. Also called: MULTIPLE ENCHONDROMATOSIS, MAFFUCCI TYPE; Dyschondrodysplasia with Hemangiomas; Enchondromatosis with Multiple Cavernous Hemangiomas; Hemangiomatosis Chondrodystrophica; Multiple Angiomas and Endochondromas; Kast Syndrome. Identifiers: Orphanet 163634, MedGen C0024454, MONDO:0013808, OMIM 614569.

Allele frequency attached by ClinVar (database versions not stated): 1000 Genomes Project 0.00040; 1000 Genomes Project 30x 0.00047; gnomAD 0.00247; TOPMed 0.00264; ExAC 0.00273; ESP Exome Variant Server 0.00284; gnomAD exomes 0.00328.

Submissions (2):

Baylor-Hopkins Center for Mendelian Genomics, Johns Hopkins University School of Medicine
Classification: Uncertain significance for Maffucci syndrome. Review status: criteria provided, single submitter. Criteria: ACMG Guidelines, 2015. Collection method: research. Allele origin: unknown. Affected: yes. Observed: 1 heterozygote.

PreventionGenetics, part of Exact Sciences
Classification: Likely benign for KDM4C-related condition. Last evaluated: 2022-04-15. Review status: no assertion criteria provided. Collection method: clinical testing. Allele origin: germline. Not counted in ClinVar's aggregate classification.
Comment: This variant is classified as likely benign based on ACMG/AMP sequence variant interpretation guidelines (Richards et al. 2015 PMID: 25741868, with internal and published modifications).